The following is an entry in ClinVar:

ClinVar aggregate classification (germline): Benign (1 of 4 stars; one submission).

Conditions:
Hereditary spastic paraplegia 4. Also called: Spastic paraplegia 4, autosomal dominant; Spastic Paraplegia 4; Familial spastic paraplegia autosomal dominant 2. Identifiers: Orphanet 100985, MedGen C1866855, MONDO:0008438, OMIM 182601.

Allele frequency attached by ClinVar (database versions not stated): gnomAD 0.00018 and 0.00028; TOPMed 0.00031; 1000 Genomes Project 0.00060; 1000 Genomes Project 30x 0.00062.

Submission:

Illumina Laboratory Services, Illumina
Classification: Benign for Hereditary spastic paraplegia 4. Last evaluated: 2018-01-12. Review status: criteria provided, single submitter. Criteria: ICSL Variant Classification Criteria 13 December 2019. Collection method: clinical testing. Allele origin: germline.
Comment: This variant was observed in the ICSL laboratory as part of a predisposition screen in an ostensibly healthy population. It had not been previously curated by ICSL or reported in the Human Gene Mutation Database (HGMD: prior to June 1st, 2018), and was therefore a candidate for classification through an automated scoring system. Utilizing variant allele frequency, disease prevalence and penetrance estimates, and inheritance mode, an automated score was calculated to assess if this variant is too frequent to cause the disease. Based on the score and internal cut-off values, a variant classified as benign is not then subjected to further curation. The score for this variant resulted in a classification of benign for this disease.

NM_014946.4(SPAST):c.*1995A>G

Gene: SPAST (spastin; plus strand). Cytogenetic location: 2p22.3.
Variant type: single nucleotide variant.
Coding change: c.*1995A>G on transcript NM_014946.4 (MANE Select); 1995 bases downstream of the stop codon, A replaced by G.
Molecular consequence: 3 prime UTR variant.
Genome position (GRCh38, 1-based): chr2:32,156,491, A>G. VCF-style: chr2-32156491-A-G. GRCh37 (hg19) VCF-style: chr2-32381560-A-G.
Other names: c.*1995A>G (NM_001363823.2, NM_001363875.2, NM_199436.2); c.*2119A>G (NM_001377959.1).
Identifiers: ClinVar variation 335874 (VCV000335874.5), dbSNP rs540679757, ClinGen allele CA10613730.
Genomic context (GRCh38, chr2:32,156,491, plus strand): 5'-AAAAATGAGAGTTGAGATAAATAGGGGAAAAAAAATTTTTTTCAAGCCAGAGCTATGCAT[A>G]TGTTAGGTGATGGGTAGTATCCCTTTAAGGTCTCAAACATTACAACATCAATTATGAAAT-3'